The following is an entry in ClinVar:

NM_015378.4(VPS13D):c.2027A>G (p.Gln676Arg)

Gene: VPS13D (vacuolar protein sorting 13 homolog D; plus strand). Cytogenetic location: 1p36.22.
Variant type: single nucleotide variant.
Coding change: c.2027A>G on transcript NM_015378.4 (MANE Select); coding-DNA position 2027, A replaced by G.
Protein change: p.Gln676Arg; replaces glutamine 676 with arginine.
Molecular consequence: missense variant.
Genome position (GRCh38, 1-based): chr1:12,271,048, A>G. VCF-style: chr1-12271048-A-G. GRCh37 (hg19) VCF-style: chr1-12331105-A-G.
Other names: c.2027A>G, p.Gln676Arg (NM_018156.4); short protein forms Q676R.
Identifiers: ClinVar variation 2144065 (VCV002144065.4), dbSNP rs1293251170, ClinGen allele CA338468956.
Genomic context (GRCh38, chr1:12,271,048, plus strand): 5'-TTGCAGGTTTTGGTTATCAGTCTGAACTTGAGCTGAGAGTGGCTGAAGCTGCCCGAAGAC[A>G]ATATAACAAGCTGAAGATGCAGACCAAGGCAGAAATCCGGCAAACTCTTGATCGTTTGCT-3'
Protein context (NP_056193.2, residues 666-686): ELRVAEAARR[Gln676Arg]YNKLKMQTKA

ClinVar aggregate classification (germline): Uncertain significance (1 of 4 stars; one submission).

Allele frequency attached by ClinVar (database versions not stated): TOPMed below 0.00001; gnomAD 0.00001; gnomAD exomes 0.00001.
gnomAD v4.1: 20 of 1,613,896 alleles (0.0012%); highest among the groups gnomAD compares: Admixed American, 0.0017%; no homozygotes.

Submission:

Labcorp Genetics (formerly Invitae), Labcorp
Classification: Uncertain significance. Last evaluated: 2022-05-31. Review status: criteria provided, single submitter. Criteria: Invitae Variant Classification Sherloc (09022015). Collection method: clinical testing. Allele origin: germline.
Comment: This sequence change replaces glutamine, which is neutral and polar, with arginine, which is basic and polar, at codon 676 of the VPS13D protein (p.Gln676Arg). This variant is present in population databases (no rsID available, gnomAD 0.002%). In summary, the available evidence is currently insufficient to determine the role of this variant in disease. Therefore, it has been classified as a Variant of Uncertain Significance. Algorithms developed to predict the effect of missense changes on protein structure and function are either unavailable or do not agree on the potential impact of this missense change (SIFT: "Deleterious"; PolyPhen-2: "Possibly Damaging"; Align-GVGD: "Class C0"). This variant has not been reported in the literature in individuals affected with VPS13D-related conditions.